The following is an entry in ClinVar:

NM_001267550.2(TTN):c.9319A>T (p.Lys3107Ter)

Gene: TTN (titin; minus strand). Cytogenetic location: 2q31.2.
Variant type: single nucleotide variant.
Coding change: c.9319A>T on transcript NM_001267550.2 (MANE Select); coding-DNA position 9319, A replaced by T.
Protein change: p.Lys3107Ter; replaces lysine 3107 with a stop codon.
Molecular consequence: nonsense.
Genome position (GRCh38, 1-based): chr2:178,767,911, T>A on the plus strand (A>T on the coding strand, the complement: TTN is on the minus strand). VCF-style: chr2-178767911-T-A. GRCh37 (hg19) VCF-style: chr2-179632638-T-A.
Other names: c.9319A>T, p.Lys3107Ter (NM_001256850.1, NM_133378.4, NM_133379.5); c.9181A>T, p.Lys3061Ter (NM_003319.4, NM_133432.3, NM_133437.4); short protein forms K3061*, K3107*.
Identifiers: ClinVar variation 3330074 (VCV003330074.1).

ClinVar aggregate classification (germline): Likely pathogenic (1 of 4 stars; one submission).

Conditions:
Cardiovascular phenotype. Identifiers: MedGen CN230736.

Submission:

Ambry Genetics
Classification: Likely pathogenic for Cardiovascular phenotype. Last evaluated: 2024-04-18. Review status: criteria provided, single submitter. Criteria: Ambry Variant Classification Scheme 2023. Collection method: clinical testing. Allele origin: germline.
Comment: The p.K3061* variant (also known as c.9181A>T), located in coding exon 38 of the TTN gene, results from an A to T substitution at nucleotide position 9181. This changes the amino acid from a lysine to a stop codon within coding exon 38. This exon is located in the I-band region of the N2-B isoform of the titin protein and is constitutively expressed in TTN transcripts (percent spliced in or PSI 100%). This variant is considered to be rare based on population cohorts in the Genome Aggregation Database (gnomAD). This alteration is expected to result in loss of function by premature protein truncation or nonsense-mediated mRNA decay. While truncating variants in TTN are present in 1-3% of the general population, truncating variants in the A-band are the most common cause of dilated cardiomyopathy (DCM) (Herman DS et al. N. Engl. J. Med., 2012 Feb;366:619-28; Roberts AM et al. Sci Transl Med, 2015 Jan;7:270ra6). TTN truncating variants encoded in constitutive exons (PSI >90%) have been found to be significantly associated with DCM regardless of their position in titin (Schafer S et al. Nat. Genet., 2017 01;49:46-53). Based on the majority of available evidence to date, this variant is likely to be pathogenic.